The following is an entry in ClinVar:

ClinVar aggregate classification (germline): Uncertain significance. Review status: criteria provided, multiple submitters, no conflicts (2 of 4 stars). 2 submissions from 2 submitters: Uncertain significance (2). Last evaluated 2026-01-19.

Conditions:
Hereditary cancer-predisposing syndrome. Also called: Hereditary Cancer Syndrome; Hereditary neoplastic syndrome; Neoplastic Syndromes, Hereditary; Tumor predisposition. Identifiers: Orphanet 140162, MedGen C0027672, MeSH D009386, MONDO:0015356.
Familial adenomatous polyposis 1 (FAP1). Also called: FAMILIAL ADENOMATOUS POLYPOSIS 1, ATTENUATED; POLYPOSIS, ADENOMATOUS INTESTINAL. Identifiers: MedGen C2713442, MONDO:0021056, OMIM 175100. Disease mechanism: loss of function.

Submissions (2):

Labcorp Genetics (formerly Invitae), Labcorp
Classification: Uncertain significance for Familial adenomatous polyposis 1. Last evaluated: 2026-01-19. Review status: criteria provided, single submitter. Criteria: Invitae Variant Classification Sherloc (09022015). Collection method: clinical testing. Allele origin: germline.
Comment: This sequence change replaces aspartic acid, which is acidic and polar, with glycine, which is neutral and non-polar, at codon 183 of the APC protein (p.Asp183Gly). This variant is not present in population databases (gnomAD no frequency). This variant has not been reported in the literature in individuals affected with APC-related conditions. ClinVar contains an entry for this variant (Variation ID: 3928150). Invitae Evidence Modeling of protein sequence and biophysical properties (such as structural, functional, and spatial information, amino acid conservation, physicochemical variation, residue mobility, and thermodynamic stability) indicates that this missense variant is not expected to disrupt APC protein function with a negative predictive value of 95%. In summary, the available evidence is currently insufficient to determine the role of this variant in disease. Therefore, it has been classified as a Variant of Uncertain Significance.

Ambry Genetics
Classification: Uncertain significance for Hereditary cancer-predisposing syndrome. Last evaluated: 2025-04-03. Review status: criteria provided, single submitter. Criteria: Ambry Variant Classification Scheme 2023. Collection method: clinical testing. Allele origin: germline.
Comment: The p.D183G variant (also known as c.548A>G), located in coding exon 5 of the APC gene, results from an A to G substitution at nucleotide position 548. The aspartic acid at codon 183 is replaced by glycine, an amino acid with similar properties. This amino acid position is highly conserved in available vertebrate species. In addition, in silico predictors for this gene do not accurately predict pathogenicity. Based on the available evidence, the clinical significance of this variant remains unclear.

NM_000038.6(APC):c.548A>G (p.Asp183Gly)

Gene: APC (APC regulator of Wnt signaling pathway; plus strand). Cytogenetic location: 5q22.2.
Variant type: single nucleotide variant.
Coding change: c.548A>G on transcript NM_000038.6 (MANE Select); coding-DNA position 548, A replaced by G.
Protein change: p.Asp183Gly; replaces aspartic acid 183 with glycine.
Molecular consequence: missense variant. On other transcripts: 5 prime UTR variant (4), non-coding transcript variant (2).
Genome position (GRCh38, 1-based): chr5:112,780,806, A>G. VCF-style: chr5-112780806-A-G. GRCh37 (hg19) VCF-style: chr5-112116503-A-G.
Other names: c.548A>G, p.Asp183Gly (NM_001127510.3, NM_001354895.2, NM_001354896.2 and 16 more transcripts); c.578A>G, p.Asp193Gly (NM_001127511.3, NM_001354897.2, NM_001354902.2 and 1 more transcripts); c.473A>G, p.Asp158Gly (NM_001354898.2, NM_001354904.2, NM_001407451.1); c.371A>G, p.Asp124Gly (NM_001354900.2, NM_001354901.2, NM_001354905.2 and 1 more transcripts); c.-488A>G (NM_001354906.2, NM_001407470.1, NM_001407471.1 and 1 more transcripts); short protein forms D124G, D193G, D158G, D183G.
Identifiers: ClinVar variation 3928150 (VCV003928150.2).